The following is an entry in ClinVar:

NM_000368.5(TSC1):c.3127A>G (p.Ser1043Gly)

Gene: TSC1 (TSC complex subunit 1; minus strand). Cytogenetic location: 9q34.13.
Variant type: single nucleotide variant.
Coding change: c.3127A>G on transcript NM_000368.5 (MANE Select); coding-DNA position 3127, A replaced by G.
Protein change: p.Ser1043Gly; replaces serine 1043 with glycine.
Molecular consequence: missense variant.
Genome position (GRCh38, 1-based): chr9:132,896,603, T>C on the plus strand (A>G on the coding strand, the complement: TSC1 is on the minus strand). VCF-style: chr9-132896603-T-C. GRCh37 (hg19) VCF-style: chr9-135771990-T-C.
Other names: c.3124A>G, p.Ser1042Gly (NM_001162426.2); c.2974A>G, p.Ser992Gly (NM_001162427.2); c.2764A>G, p.Ser922Gly (NM_001362177.2); short protein forms S1043G, S1042G, S922G, S992G.
Identifiers: ClinVar variation 486564 (VCV000486564.15), dbSNP rs1554812848, ClinGen allele CA375367311.
Genomic context (GRCh38, chr9:132,896,603, plus strand): 5'-ACCGACTGCTGAATGGGCCTGCCCTCTGGTGTGGGGGTTTCTCTGGGGTAGAAAGCTCGC[T>C]GCTGCTGCTGCTGCTGCCTCCACCACCTCTGCTTCCACTACTGCCCCGGGCGCTGCTGGG-3'
Protein context (NP_000359.1, residues 1033-1053): RGGGGSSSSS[Ser1043Gly]ELSTPEKPPH

ClinVar aggregate classification (germline): Uncertain significance. Review status: criteria provided, multiple submitters, no conflicts (2 of 4 stars). 4 submissions from 4 submitters: Uncertain significance (4). Last evaluated 2025-10-23.

Conditions:
Tuberous sclerosis syndrome (TSC). Also called: Tuberous Sclerosis Complex; Tuberous sclerosis. Identifiers: Orphanet 805, MedGen C0041341, MONDO:0001734.
Hereditary cancer-predisposing syndrome. Also called: Tumor predisposition; Neoplastic Syndromes, Hereditary; Hereditary Cancer Syndrome; Hereditary neoplastic syndrome. Identifiers: Orphanet 140162, MedGen C0027672, MeSH D009386, MONDO:0015356.
Tuberous sclerosis 1 (TSC1). Identifiers: Orphanet 805, MedGen C1854465, MONDO:0008612, OMIM 191100.

Submissions (4):

Ambry Genetics
Classification: Uncertain significance for Hereditary cancer-predisposing syndrome. Last evaluated: 2025-10-23. Review status: criteria provided, single submitter. Criteria: Ambry Variant Classification Scheme 2023. Collection method: clinical testing. Allele origin: germline.
Comment: The p.S1043G variant (also known as c.3127A>G), located in coding exon 21 of the TSC1 gene, results from an A to G substitution at nucleotide position 3127. The serine at codon 1043 is replaced by glycine, an amino acid with similar properties. This amino acid position is highly conserved in available vertebrate species. In addition, this alteration is predicted to be tolerated by in silico analysis. Since supporting evidence is limited at this time, the clinical significance of this alteration remains unclear.

Labcorp Genetics (formerly Invitae), Labcorp
Classification: Uncertain significance for Tuberous sclerosis 1. Last evaluated: 2024-11-30. Review status: criteria provided, single submitter. Criteria: Invitae Variant Classification Sherloc (09022015). Collection method: clinical testing. Allele origin: germline.
Comment: This sequence change replaces serine, which is neutral and polar, with glycine, which is neutral and non-polar, at codon 1043 of the TSC1 protein (p.Ser1043Gly). This variant is not present in population databases (gnomAD no frequency). This variant has not been reported in the literature in individuals affected with TSC1-related conditions. ClinVar contains an entry for this variant (Variation ID: 486564). Invitae Evidence Modeling of protein sequence and biophysical properties (such as structural, functional, and spatial information, amino acid conservation, physicochemical variation, residue mobility, and thermodynamic stability) indicates that this missense variant is not expected to disrupt TSC1 protein function with a negative predictive value of 95%. In summary, the available evidence is currently insufficient to determine the role of this variant in disease. Therefore, it has been classified as a Variant of Uncertain Significance.

All of Us Research Program, National Institutes of Health
Classification: Uncertain significance for Tuberous sclerosis syndrome. Last evaluated: 2024-07-29. Review status: criteria provided, single submitter. Criteria: ACMG Guidelines, 2015. Collection method: clinical testing. Allele origin: germline. Inheritance: Autosomal dominant inheritance. Observed: 1 variant allele, 1 heterozygote.
Comment: This missense variant replaces serine with glycine at codon 1043 of the TSC1 protein. Computational prediction suggests that this variant may not impact protein structure and function. To our knowledge, functional studies have not been reported for this variant. This variant has not been reported in individuals affected with TSC1-related disorders in the literature. This variant has not been identified in the general population by the Genome Aggregation Database (gnomAD). The available evidence is insufficient to determine the role of this variant in disease conclusively. Therefore, this variant is classified as a Variant of Uncertain Significance.

This study involves interpretation of variants in research participants for the purpose of population health screening. Participant phenotype was not available at the time of variant classification. Additional details can be found in publication PMID: 35346344, PMCID: PMC8962531

Color Diagnostics, LLC DBA Color Health
Classification: Uncertain significance for Tuberous sclerosis syndrome. Last evaluated: 2024-07-19. Review status: criteria provided, single submitter. Criteria: ACMG Guidelines, 2015. Collection method: clinical testing. Allele origin: germline.
Comment: This missense variant replaces serine with glycine at codon 1043 of the TSC1 protein. Computational prediction suggests that this variant may not impact protein structure and function. To our knowledge, functional studies have not been reported for this variant. This variant has not been reported in individuals affected with TSC1-related disorders in the literature. This variant has not been identified in the general population by the Genome Aggregation Database (gnomAD). The available evidence is insufficient to determine the role of this variant in disease conclusively. Therefore, this variant is classified as a Variant of Uncertain Significance.